The following is an entry in ClinVar:

NM_000458.4(HNF1B):c.34C>T (p.Leu12Phe)

Gene: HNF1B (HNF1 homeobox B; minus strand). Cytogenetic location: 17q12.
Variant type: single nucleotide variant.
Coding change: c.34C>T on transcript NM_000458.4 (MANE Select); coding-DNA position 34, C replaced by T.
Protein change: p.Leu12Phe; replaces leucine 12 with phenylalanine.
Molecular consequence: missense variant.
Genome position (GRCh38, 1-based): chr17:37,744,851, G>A on the plus strand (C>T on the coding strand, the complement: HNF1B is on the minus strand). VCF-style: chr17-37744851-G-A. GRCh37 (hg19) VCF-style: chr17-36104842-G-A.
Other names: c.34C>T, p.Leu12Phe (NM_001165923.4, NM_001304286.2); short protein forms L12F.
Identifiers: ClinVar variation 635733 (VCV000635733.14), dbSNP rs1285239018, ClinGen allele CA398755124.

ClinVar aggregate classification (germline): Conflicting classifications of pathogenicity. Review status: criteria provided, conflicting classifications (1 of 4 stars). 7 submissions from 7 submitters: Likely pathogenic (1); Uncertain significance (6). Last evaluated 2026-08-23.

Conditions:
Maturity-onset diabetes of the young (MODY). Also called: Maturity onset diabetes mellitus in young. Identifiers: Orphanet 552, MedGen C0342276, MONDO:0018911, HP:0004904.
Renal cysts and diabetes syndrome (RCAD). Also called: Familial hypoplastic, glomerulocystic kidney; MATURITY-ONSET DIABETES OF THE YOUNG, TYPE 5. Identifiers: Orphanet 93111, MedGen C0431693, MONDO:0007669, OMIM 137920.
HNF1B-related disorder. Also called: HNF1B-related condition; HNF1B-related disorders.
Type 2 diabetes mellitus. Also called: Type II diabetes mellitus. Identifiers: MedGen C0011860, MeSH D003924, MONDO:0005148, OMIM 125853, HP:0005978.
Nonpapillary renal cell carcinoma. Identifiers: Orphanet 422526, MedGen CN074294, MONDO:0007763, OMIM 144700.

Allele frequency attached by ClinVar (database versions not stated): TOPMed below 0.00001; gnomAD 0.00001; gnomAD exomes 0.00001.
gnomAD v4.1: 4 of 1,360,716 alleles (0.00029%); highest among the groups gnomAD compares: African/African-American, 0.0062%; no homozygotes.

Submissions (7):

PreventionGenetics, part of Exact Sciences
Classification: Uncertain significance for HNF1B-related condition. Last evaluated: 2026-08-23. Review status: criteria provided, single submitter. Criteria: ACMG Guidelines, 2015. Collection method: clinical testing. Allele origin: germline.
Comment: The HNF1B c.34C>T variant is predicted to result in the amino acid substitution p.Leu12Phe. This variant has been reported in an individual from a study assessing phenotypes in individuals with HNF1B variants as a group, rather than by variant (Dubois-Laforgue et al 2017. PubMed ID: 28420700). It has also been reported in a patient from a cohort study of individuals with late adolescence/adult-onset diabetes (Supplementary Data, Donath et al. 2019. PubMed ID: 31291970). This variant is reported in 0.0062% of alleles in individuals of African descent in gnomAD. At this time, the clinical significance of this variant is uncertain due to the absence of conclusive functional and genetic evidence.

Women's Health and Genetics/Laboratory Corporation of America, LabCorp
Classification: Uncertain significance. Last evaluated: 2025-12-18. Review status: criteria provided, single submitter. Criteria: LabCorp Variant Classification Summary - May 2015. Collection method: clinical testing. Allele origin: germline.
Comment: Variant summary: HNF1B c.34C>T (p.Leu12Phe) results in a non-conservative amino acid change in the encoded protein sequence. Algorithms developed to predict the effect of missense changes on protein structure and function all suggest that this variant is likely to be disruptive. The variant allele was found at a frequency of 4e-06 in 249986 control chromosomes. c.34C>T has been observed in at least 2 individual(s) affected with clinical features of Maturity Onset Diabetes Of The Young 5 (Renal Cysts And Diabetes Syndrome) (example, Dubois-Laforgue_2017, Donath_2019). These data indicate that the variant may be associated with disease. To our knowledge, no experimental evidence demonstrating an impact on protein function has been reported. The following publications have been ascertained in the context of this evaluation (PMID: 28420700, 41009948, 31291970, 31498910). ClinVar contains an entry for this variant (Variation ID: 635733). Based on the evidence outlined above, the variant was classified as VUS-possibly pathogenic.

GeneDx
Classification: Uncertain significance. Last evaluated: 2025-05-31. Review status: criteria provided, single submitter. Criteria: GeneDx Variant Classification Process June 2021. Collection method: clinical testing. Allele origin: germline. Affected: yes.
Comment: In silico analysis supports that this missense variant has a deleterious effect on protein structure/function; This variant is associated with the following publications: (PMID: 28420700, 40303944, 31291970)

Labcorp Genetics (formerly Invitae), Labcorp
Classification: Uncertain significance. Last evaluated: 2025-05-01. Review status: criteria provided, single submitter. Criteria: Invitae Variant Classification Sherloc (09022015). Collection method: clinical testing. Allele origin: germline.
Comment: This sequence change replaces leucine, which is neutral and non-polar, with phenylalanine, which is neutral and non-polar, at codon 12 of the HNF1B protein (p.Leu12Phe). This variant is present in population databases (no rsID available, gnomAD 0.007%). This missense change has been observed in individual(s) with HNF1B-related conditions (PMID: 28420700, 31291970). ClinVar contains an entry for this variant (Variation ID: 635733). Invitae Evidence Modeling of protein sequence and biophysical properties (such as structural, functional, and spatial information, amino acid conservation, physicochemical variation, residue mobility, and thermodynamic stability) has been performed for this missense variant. However, the output from this modeling did not meet the statistical confidence thresholds required to predict the impact of this variant on HNF1B protein function. In summary, the available evidence is currently insufficient to determine the role of this variant in disease. Therefore, it has been classified as a Variant of Uncertain Significance.

Ambry Genetics
Classification: Uncertain significance for Maturity-onset diabetes of the young. Last evaluated: 2024-05-17. Review status: criteria provided, single submitter. Criteria: Ambry Variant Classification Scheme 2023. Collection method: clinical testing. Allele origin: germline.

Fulgent Genetics
Classification: Uncertain significance for Type 2 diabetes mellitus; Renal cysts and diabetes syndrome; Nonpapillary renal cell carcinoma. Last evaluated: 2024-05-11. Review status: criteria provided, single submitter. Criteria: ACMG Guidelines, 2015. Collection method: clinical testing. Allele origin: germline.

Institute of Human Genetics, FAU Erlangen, Friedrich-Alexander-Universität Erlangen-Nürnberg
Classification: Likely pathogenic for Renal cysts and diabetes syndrome. Last evaluated: 2019-07-06. Review status: criteria provided, single submitter. Criteria: ACMG Guidelines, 2015. Collection method: literature only. Allele origin: germline. Affected: yes.
Comment: This variant and it's classification has been reported by Vasileiou et al. 2019; DOI:10.1101/576918. The variants has previously been reported in PMID:28420700 as "c.34C>T,p.Leu12Phe" with clinical significance Pathogenic. It has been re-classified using InterVar and manual curation as Likely pathogenic based on PM1 PM2 PP3 PP5.

Literature cited by the submitters: PubMed 31291970 (cited by 3 submitters); PubMed 41009948 (cited by Women's Health and Genetics/Laboratory Corporation of America, LabCorp); PubMed 31498910 (cited by Women's Health and Genetics/Laboratory Corporation of America, LabCorp); PubMed 28420700 (cited by 3 submitters); DOI 10.1101/576918 (cited by Institute of Human Genetics, FAU Erlangen, Friedrich-Alexander-Universität Erlangen-Nürnberg).